The following is an entry in ClinVar:

NM_203447.4(DOCK8):c.2971-5C>T

Gene: DOCK8 (dedicator of cytokinesis 8; plus strand). Cytogenetic location: 9p24.3.
Variant type: single nucleotide variant.
Coding change: c.2971-5C>T on transcript NM_203447.4 (MANE Select); 5 bases into the intron before coding-DNA position 2971, C replaced by T.
Molecular consequence: intron variant.
Genome position (GRCh38, 1-based): chr9:396,780, C>T. VCF-style: chr9-396780-C-T. GRCh37 (hg19) VCF-style: chr9-396780-C-T.
Other names: c.2767-5C>T (NM_001193536.2); c.2671-5C>T (NM_001190458.2).
Identifiers: ClinVar variation 441085 (VCV000441085.14), dbSNP rs373718659, ClinGen allele CA4958453.

ClinVar aggregate classification (germline): Conflicting classifications of pathogenicity. Review status: criteria provided, conflicting classifications (1 of 4 stars). 3 submissions from 3 submitters: Uncertain significance (1); Likely benign (2). Last evaluated 2026-01-28.

Conditions:
Combined immunodeficiency due to DOCK8 deficiency (HIES2). Also called: HYPER-IgE SYNDROME 2, AUTOSOMAL RECESSIVE, WITH RECURRENT INFECTIONS; HYPER-IgE RECURRENT INFECTION SYNDROME 2, AUTOSOMAL RECESSIVE; HIES autosomal recessive; Hyper-IgE recurrent infection syndrome, autosomal recessive; DOCK8 Deficiency. Identifiers: Orphanet 217390, MedGen C4722305, MONDO:0009478, OMIM 243700.

Allele frequency attached by ClinVar (database versions not stated): gnomAD exomes 0.00003 and 0.00008; gnomAD 0.00004 and 0.00005; TOPMed 0.00006; ExAC 0.00007; ESP Exome Variant Server 0.00008.
gnomAD v4.1: 59 of 1,614,120 alleles (0.0037%); highest among the groups gnomAD compares: Admixed American, 0.018%; no homozygotes.

Submissions (3):

Labcorp Genetics (formerly Invitae), Labcorp
Classification: Likely benign for Combined immunodeficiency due to DOCK8 deficiency. Last evaluated: 2026-01-28. Review status: criteria provided, single submitter. Criteria: Invitae Variant Classification Sherloc (09022015). Collection method: clinical testing. Allele origin: germline.

Blueprint Genetics
Classification: Likely benign. Last evaluated: 2023-02-17. Review status: criteria provided, single submitter. Criteria: ACMG Guidelines, 2015. Collection method: clinical testing. Allele origin: germline.

Baylor Genetics
Classification: Uncertain significance for Combined immunodeficiency due to DOCK8 deficiency. Last evaluated: 2019-12-24. Review status: criteria provided, single submitter. Criteria: ACMG Guidelines, 2015. Collection method: clinical testing. Allele origin: unknown. Affected: yes.
Comment: This variant was determined to be of uncertain significance according to ACMG Guidelines, 2015 [PMID:25741868].